The following is an entry in ClinVar:

NM_033380.3(COL4A5):c.3685G>T (p.Gly1229Cys)

Gene: COL4A5 (collagen type IV alpha 5 chain; plus strand). Cytogenetic location: Xq22.3.
Variant type: single nucleotide variant.
Coding change: c.3685G>T on transcript NM_033380.3 (MANE Select); coding-DNA position 3685, G replaced by T.
Protein change: p.Gly1229Cys; replaces glycine 1229 with cysteine.
Molecular consequence: missense variant.
Genome position (GRCh38, 1-based): chrX:108,668,399, G>T. VCF-style: chrX-108668399-G-T. GRCh37 (hg19) VCF-style: chrX-107911629-G-T.
Other names: c.3685G>T, p.Gly1229Cys (NM_000495.5); short protein forms G1229C.
Identifiers: ClinVar variation 4526641 (VCV004526641.1), dbSNP rs1569505771.

ClinVar aggregate classification (germline): Likely pathogenic (1 of 4 stars; one submission).

Conditions:
X-linked Alport syndrome (ATS1). Also called: NEPHROPATHY AND DEAFNESS, X-LINKED; COL4A5-Related Nephropathy. Identifiers: Orphanet 63, Orphanet 88917, MedGen C4746986, MONDO:0010520, OMIM 301050.

Submission:

Regional Center For Medical Genetics Timis, Louis Turcanu Emergency Hospital for Children Timisoara
Classification: Likely pathogenic for X-linked Alport syndrome. Last evaluated: 2025-04-29. Review status: criteria provided, single submitter. Criteria: ACMG Guidelines, 2015. Collection method: clinical testing. Allele origin: germline. Affected: yes.
Comment: The variant is absent from the presumed healthy population (gnomAD; PM2_Supporting). At the same residue, multiple missense variants have been reported as pathogenic/likely pathogenic: p.Gly1229Val, p.Gly1229Ser, and p.Gly1229Asp (PM5). In silico predictions support a deleterious effect (REVEL score = 0.991; PP3_Strong). To our knowledge, this variant has not been previously reported in the literature. Based on the available evidence, this variant is classified as likely pathogenic.